The following is an entry in ClinVar:

ClinVar aggregate classification (germline): Uncertain significance (1 of 4 stars; one submission).

Conditions:
Ornithine aminotransferase deficiency (GACR). Also called: HYPERORNITHINEMIA WITH GYRATE ATROPHY OF CHOROID AND RETINA; OAT DEFICIENCY; OKT DEFICIENCY; Ornithine ketoacid aminotransferase deficiency; Gyrate atrophy; Gyrate atrophy of choroid and retina. Identifiers: Orphanet 414, MedGen C0018425, MONDO:0009796, OMIM 258870.

Allele frequency attached by ClinVar (database versions not stated): gnomAD exomes below 0.00001.
gnomAD v4.1: 3 of 1,604,790 alleles (0.00019%); highest among the groups gnomAD compares: Non-Finnish European, 0.00026%; no homozygotes.

Submission:

Labcorp Genetics (formerly Invitae), Labcorp
Classification: Uncertain significance for Ornithine aminotransferase deficiency. Last evaluated: 2022-08-10. Review status: criteria provided, single submitter. Criteria: Invitae Variant Classification Sherloc (09022015). Collection method: clinical testing. Allele origin: germline.
Comment: This sequence change falls in intron 4 of the OAT gene. It does not directly change the encoded amino acid sequence of the OAT protein. It affects a nucleotide within the consensus splice site. This variant is not present in population databases (gnomAD no frequency). This variant has not been reported in the literature in individuals affected with OAT-related conditions. Variants that disrupt the consensus splice site are a relatively common cause of aberrant splicing (PMID: 17576681, 9536098). Algorithms developed to predict the effect of sequence changes on RNA splicing suggest that this variant is not likely to affect RNA splicing. In summary, the available evidence is currently insufficient to determine the role of this variant in disease. Therefore, it has been classified as a Variant of Uncertain Significance.

Literature cited by the submitters: PubMed 17576681; PubMed 9536098.

NM_000274.4(OAT):c.520+4T>C

Gene: OAT (ornithine aminotransferase; minus strand). Cytogenetic location: 10q26.13.
Variant type: single nucleotide variant.
Coding change: c.520+4T>C on transcript NM_000274.4 (MANE Select); 4 bases into the intron after coding-DNA position 520, T replaced by C.
Molecular consequence: intron variant.
Genome position (GRCh38, 1-based): chr10:124,408,538, A>G on the plus strand (T>C on the coding strand, the complement: OAT is on the minus strand). VCF-style: chr10-124408538-A-G. GRCh37 (hg19) VCF-style: chr10-126097107-A-G.
Other names: c.520+4T>C (NM_001322965.2, NM_001322969.2, NM_001322966.2 and 3 more transcripts); c.106+4T>C (NM_001171814.2); c.-195+4T>C (NM_001322974.2); c.200-2975T>C (NM_001322971.2).
Identifiers: ClinVar variation 2181100 (VCV002181100.1), dbSNP rs952494812, ClinGen allele CA215253582.
Genomic context (GRCh38, chr10:124,408,538, plus strand): 5'-GCCTGGCCACAGTAAATTATATTGTATGTTTCAATCATAGAAGTTAATATTTAATTTCAC[A>G]TACCTGCAAAAACAATCTTTGCTTTGTATTTCTGAATGCCCTTCACGGTATAGCCCCACT-3'